The following is an entry in ClinVar:

NM_176824.3(BBS7):c.719G>A (p.Gly240Asp)

Gene: BBS7 (Bardet-Biedl syndrome 7; minus strand). Cytogenetic location: 4q27.
Variant type: single nucleotide variant.
Coding change: c.719G>A on transcript NM_176824.3 (MANE Select); coding-DNA position 719, G replaced by A.
Protein change: p.Gly240Asp; replaces glycine 240 with aspartic acid.
Molecular consequence: missense variant.
Genome position (GRCh38, 1-based): chr4:121,853,086, C>T on the plus strand (G>A on the coding strand, the complement: BBS7 is on the minus strand). VCF-style: chr4-121853086-C-T. GRCh37 (hg19) VCF-style: chr4-122774241-C-T.
Other names: c.719G>A, p.Gly240Asp (NM_018190.4); short protein forms G240D.
Identifiers: ClinVar variation 522733 (VCV000522733.10), dbSNP rs761403504, ClinGen allele CA358064762.

ClinVar aggregate classification (germline): Conflicting classifications of pathogenicity. Review status: criteria provided, conflicting classifications (1 of 4 stars). 5 submissions from 5 submitters: Likely pathogenic (3); Uncertain significance (2). Last evaluated 2025-08-26.

Conditions:
BBS7-related disorder. Also called: BBS7-related condition.
Bardet-Biedl syndrome 7 (BBS7). Identifiers: Orphanet 110, MedGen C1859565, MONDO:0014435, OMIM 615984.

Allele frequency attached by ClinVar (database versions not stated): gnomAD 0.00001; TOPMed 0.00002.
gnomAD v4.1: 2 of 1,612,572 alleles (0.00012%); highest among the groups gnomAD compares: African/African-American, 0.0027%; no homozygotes.

Submissions (5):

Genetic Services Laboratory, University of Chicago
Classification: Likely pathogenic. Last evaluated: 2025-08-26. Review status: criteria provided, single submitter. Criteria: ACMG Guidelines, 2015. Collection method: clinical testing. Allele origin: germline.
Comment: The c.719G>A variant: Occurs at the first nucleotide of exon 8 in the BBS7 gene. Is predicted to impact the splice acceptor site located 1 base pair upstream from this change. o;Results in an amino acid change, p.Gly240Asp. Affects a highly conserved amino acid residue located in a domain of the BBS7 protein that is known to be functional. Appears to have contradictory results by in-silico missense pathogenicity prediction tools. Has not been described in the literature in individuals with BBS7 related disorders. However, a different pathogenic variant affecting the same amino acid residue (p.Gly240Val) has been described in individuals with BBS7-related disorders (PMID 31469663). Is reported in the gnomAD v4 database with a frequency of 0.002% in the African/African American subpopulation (dbSNP rs761403504). ClinVar contains an entry for this variant (Variation ID: 522733). Collectively, this evidence indicates that this variant is likely pathogenic, however functional studies have not been performed to prove this conclusively.

GeneDx
Classification: Likely pathogenic. Last evaluated: 2025-07-29. Review status: criteria provided, single submitter. Criteria: GeneDx Variant Classification Process June 2021. Collection method: clinical testing. Allele origin: germline. Affected: yes.
Comment: Not observed at significant frequency in large population cohorts (gnomAD); In silico analysis suggests that this missense variant does not alter protein structure/function; In silico analysis supports a deleterious effect on splicing; This variant is associated with the following publications: (PMID: 31469663)

PreventionGenetics, part of Exact Sciences
Classification: Uncertain significance for BBS7-related condition. Last evaluated: 2025-04-24. Review status: criteria provided, single submitter. Criteria: ACMG Guidelines, 2015. Collection method: clinical testing. Allele origin: germline.
Comment: The BBS7 c.719G>A variant is predicted to result in the amino acid substitution p.Gly240Asp. This variant affects the first nucleotide of exon 8 and is predicted to weaken the canonical splice acceptor site and create a cryptic splice acceptor site within exon 8 (SpliceAI, Jaganathan et al. 2019. PubMed ID: 30661751). To our knowledge, this variant has not been reported in the literature or in a large population database (gnomAD), indicating this variant is rare. An alternate nucleotide change affecting the same amino acid (p.Gly240Val) has been reported in the homozygous state in two siblings with Bardet-Biedl syndrome (Hayat et al. 2019. PubMed ID: 31469663). Although we suspect that this variant may be pathogenic, at this time, the clinical significance of this variant is uncertain due to the absence of conclusive functional and genetic evidence.

Women's Health and Genetics/Laboratory Corporation of America, LabCorp
Classification: Uncertain significance. Last evaluated: 2021-08-11. Review status: criteria provided, single submitter. Criteria: LabCorp Variant Classification Summary - May 2015. Collection method: clinical testing. Allele origin: germline.
Comment: Variant summary: BBS7 c.719G>A (p.Gly240Asp) results in a non-conservative amino acid change in the encoded protein sequence. Three of five in-silico tools predict a damaging effect of the variant on protein function. The variant was absent in 251052 control chromosomes. The available data on variant occurrences in the general population are insufficient to allow any conclusion about variant significance. To our knowledge, no occurrence of c.719G>A in individuals affected with Bardet-Biedl Syndrome and no experimental evidence demonstrating its impact on protein function have been reported. However, a different nucleotide change at the same location (c.719G>T, p.Gly240Val) has been reported in a consangineous family in association with Bardet-Biedl syndrome (PMID 31469663). One clinical diagnostic laboratory has submitted clinical-significance assessments for this variant to ClinVar after 2014 without evidence for independent evaluation. One laboratory classified the variant as likely pathogenic. Based on the evidence outlined above, the variant was classified as uncertain significance.

Genomic Research Center, Shahid Beheshti University of Medical Sciences
Classification: Likely pathogenic for Bardet-Biedl syndrome 7. Last evaluated: 2020-05-03. Review status: criteria provided, single submitter. Criteria: ACMG Guidelines, 2015. Collection method: clinical testing. Allele origin: unknown. Affected: yes.